The following is an entry in ClinVar:

NM_000256.3(MYBPC3):c.1947G>C (p.Leu649=)

Gene: MYBPC3 (myosin binding protein C3; minus strand). Cytogenetic location: 11p11.2.
Variant type: single nucleotide variant.
Coding change: c.1947G>C on transcript NM_000256.3 (MANE Select); coding-DNA position 1947, G replaced by C.
Protein change: p.Leu649=; no amino-acid change (leucine 649 retained).
Molecular consequence: synonymous variant.
Genome position (GRCh38, 1-based): chr11:47,339,771, C>G on the plus strand (G>C on the coding strand, the complement: MYBPC3 is on the minus strand). VCF-style: chr11-47339771-C-G. GRCh37 (hg19) VCF-style: chr11-47361322-C-G.
Identifiers: ClinVar variation 767555 (VCV000767555.16), dbSNP rs757244311, ClinGen allele CA078445.

ClinVar aggregate classification (germline): Likely benign. Review status: criteria provided, multiple submitters, no conflicts (2 of 4 stars). 5 submissions from 5 submitters: Likely benign (5). Last evaluated 2026-01-25.

Conditions:
Cardiomyopathy (CMYO). Also called: Cardiomyopathies. Identifiers: Orphanet 167848, MedGen C0878544, MONDO:0004994, HP:0001638. Inheritance: Various modes of inheritance.
Hypertrophic cardiomyopathy. Also called: HYPERTROPHIC MYOCARDIOPATHY. Identifiers: Orphanet 217569, MedGen C0007194, MeSH D002312, MONDO:0005045, HP:0001639.
Cardiovascular phenotype. Identifiers: MedGen CN230736.

Allele frequency attached by ClinVar (database versions not stated): gnomAD 0.00001; TOPMed 0.00002; gnomAD exomes 0.00005.
gnomAD v4.1: 80 of 1,613,598 alleles (0.005%); highest among the groups gnomAD compares: Non-Finnish European, 0.0066%; no homozygotes.

Submissions (5):

Labcorp Genetics (formerly Invitae), Labcorp
Classification: Likely benign for Hypertrophic cardiomyopathy. Last evaluated: 2026-01-25. Review status: criteria provided, single submitter. Criteria: Invitae Variant Classification Sherloc (09022015). Collection method: clinical testing. Allele origin: germline.

All of Us Research Program, National Institutes of Health
Classification: Likely benign for Hypertrophic cardiomyopathy. Last evaluated: 2023-09-17. Review status: criteria provided, single submitter. Criteria: ACMG Guidelines, 2015. Collection method: clinical testing. Allele origin: germline. Inheritance: Autosomal dominant inheritance. Observed: 1 variant allele, 1 heterozygote.
Comment: This study involves interpretation of variants in research participants for the purpose of population health screening. Participant phenotype was not available at the time of variant classification. Additional details can be found in publication PMID: 35346344, PMCID: PMC8962531

Blueprint Genetics
Classification: Likely benign. Last evaluated: 2021-10-20. Review status: criteria provided, single submitter. Criteria: ACMG Guidelines, 2015. Collection method: clinical testing. Allele origin: germline.

Color Diagnostics, LLC DBA Color Health
Classification: Likely benign for Cardiomyopathy. Last evaluated: 2018-12-04. Review status: criteria provided, single submitter. Criteria: ACMG Guidelines, 2015. Collection method: clinical testing. Allele origin: germline.

Ambry Genetics
Classification: Likely benign for Cardiovascular phenotype. Last evaluated: 2018-07-05. Review status: criteria provided, single submitter. Criteria: Ambry Variant Classification Scheme 2023. Collection method: clinical testing. Allele origin: germline.